The following is an entry in ClinVar:

ClinVar aggregate classification (germline): Uncertain significance. Review status: criteria provided, multiple submitters, no conflicts (2 of 4 stars). 2 submissions from 2 submitters: Uncertain significance (2). Last evaluated 2025-10-23.

Conditions:
Thrombocythemia 3 (THCYT3). Also called: THROMBOCYTOSIS 3; THROMBOCYTHEMIA 3, SOMATIC. Identifiers: MedGen C3281125, MONDO:0013794, OMIM 614521.

Allele frequency attached by ClinVar (database versions not stated): gnomAD exomes 0.00001; ExAC 0.00002; TOPMed 0.00001.
gnomAD v4.1: 11 of 1,613,998 alleles (0.00068%); highest among the groups gnomAD compares: East Asian, 0.0022%; no homozygotes.

Submissions (2):

Labcorp Genetics (formerly Invitae), Labcorp
Classification: Uncertain significance. Last evaluated: 2025-10-23. Review status: criteria provided, single submitter. Criteria: Invitae Variant Classification Sherloc (09022015). Collection method: clinical testing. Allele origin: germline.
Comment: This sequence change replaces methionine, which is neutral and non-polar, with valine, which is neutral and non-polar, at codon 32 of the JAK2 protein (p.Met32Val). This variant is present in population databases (rs778174935, gnomAD 0.003%). This variant has not been reported in the literature in individuals affected with JAK2-related conditions. ClinVar contains an entry for this variant (Variation ID: 2585138). Invitae Evidence Modeling of protein sequence and biophysical properties (such as structural, functional, and spatial information, amino acid conservation, physicochemical variation, residue mobility, and thermodynamic stability) indicates that this missense variant is not expected to disrupt JAK2 protein function with a negative predictive value of 80%. In summary, the available evidence is currently insufficient to determine the role of this variant in disease. Therefore, it has been classified as a Variant of Uncertain Significance.

Neuberg Centre For Genomic Medicine, NCGM
Classification: Uncertain significance for Thrombocythemia 3. Review status: criteria provided, single submitter. Criteria: ACMG Guidelines, 2015. Collection method: clinical testing. Allele origin: germline. Inheritance: Autosomal dominant inheritance. Affected: yes.
Comment: The missense c.94A>G (p.Met32Val) variant in JAK2 gene has not been reported previously as a pathogenic variant nor as a benign variant, to our knowledge. This variant is reported with the allele frequency 0.001% in the gnomAD and novel in 1000 genome database. The amino acid Met at position 32 is changed to a Val changing protein sequence and it might alter its composition and physicochemical properties. For these reasons, this variant has been classified as Uncertain Significance.

NM_004972.4(JAK2):c.94A>G (p.Met32Val)

Genes: JAK2 (Janus kinase 2; plus strand), INSL6 (insulin like 6; minus strand). Cytogenetic location: 9p24.1.
Variant type: single nucleotide variant.
Coding change: c.94A>G on transcript NM_004972.4 (MANE Select); coding-DNA position 94, A replaced by G.
Protein change: p.Met32Val; replaces methionine 32 with valine.
Molecular consequence: missense variant. On other transcripts: 5 prime UTR variant (2), non-coding transcript variant (2).
Genome position (GRCh38, 1-based): chr9:5,022,081, A>G. VCF-style: chr9-5022081-A-G. GRCh37 (hg19) VCF-style: chr9-5022081-A-G.
Other names: c.94A>G, p.Met32Val (NM_001322194.2, NM_001322195.2, NM_001322196.2); c.-1027A>G (NM_001322198.2, NM_001322199.2); short protein forms M32V.
Identifiers: ClinVar variation 2585138 (VCV002585138.3), dbSNP rs778174935, ClinGen allele CA4971482.